The following is an entry in ClinVar:

ClinVar aggregate classification (germline): Uncertain significance. Review status: criteria provided, multiple submitters, no conflicts (2 of 4 stars). 2 submissions from 2 submitters: Uncertain significance (2). Last evaluated 2024-09-01.

Conditions:
Inborn genetic diseases. Identifiers: MedGen C0950123, MeSH D030342.

Allele frequency attached by ClinVar (database versions not stated): ExAC 0.00001; TOPMed 0.00001; gnomAD 0.00002; gnomAD exomes 0.00002.

Submissions (2):

Labcorp Genetics (formerly Invitae), Labcorp
Classification: Uncertain significance. Last evaluated: 2024-09-01. Review status: criteria provided, single submitter. Criteria: Invitae Variant Classification Sherloc (09022015). Collection method: clinical testing. Allele origin: germline.
Comment: This sequence change replaces serine, which is neutral and polar, with phenylalanine, which is neutral and non-polar, at codon 91 of the CLCN7 protein (p.Ser91Phe). This variant is present in population databases (rs773700515, gnomAD 0.01%). This variant has not been reported in the literature in individuals affected with CLCN7-related conditions. ClinVar contains an entry for this variant (Variation ID: 2174923). An algorithm developed to predict the effect of missense changes on protein structure and function (PolyPhen-2) suggests that this variant is likely to be disruptive. In summary, the available evidence is currently insufficient to determine the role of this variant in disease. Therefore, it has been classified as a Variant of Uncertain Significance.

Ambry Genetics
Classification: Uncertain significance for Inborn genetic diseases. Last evaluated: 2021-08-30. Review status: criteria provided, single submitter. Criteria: Ambry Variant Classification Scheme 2023. Collection method: clinical testing. Allele origin: germline.

NM_001287.6(CLCN7):c.272C>T (p.Ser91Phe)

Gene: CLCN7 (chloride voltage-gated channel 7; minus strand). Cytogenetic location: 16p13.3.
Variant type: single nucleotide variant.
Coding change: c.272C>T on transcript NM_001287.6 (MANE Select); coding-DNA position 272, C replaced by T.
Protein change: p.Ser91Phe; replaces serine 91 with phenylalanine.
Molecular consequence: missense variant.
Genome position (GRCh38, 1-based): chr16:1,461,616, G>A on the plus strand (C>T on the coding strand, the complement: CLCN7 is on the minus strand). VCF-style: chr16-1461616-G-A. GRCh37 (hg19) VCF-style: chr16-1511617-G-A.
Other names: c.272C>T (NM_001287.4); c.200C>T, p.Ser67Phe (NM_001114331.3); short protein forms S67F, S91F.
Identifiers: ClinVar variation 2174923 (VCV002174923.5), dbSNP rs773700515, ClinGen allele CA7810864.